The following is an entry in ClinVar:

NM_000059.4(BRCA2):c.516+1G>T

Gene: BRCA2 (BRCA2 DNA repair associated; plus strand). Cytogenetic location: 13q13.1.
Variant type: single nucleotide variant.
Coding change: c.516+1G>T on transcript NM_000059.4 (MANE Select); the canonical splice donor site of the intron after coding-DNA position 516, G replaced by T.
Molecular consequence: splice donor variant.
Genome position (GRCh38, 1-based): chr13:32,326,283, G>T. VCF-style: chr13-32326283-G-T. GRCh37 (hg19) VCF-style: chr13-32900420-G-T.
Other names: c.516+1G>T (NM_001406720.1, NM_001406719.1, NM_001406721.1); c.147+1G>T (NM_001406722.1).
Identifiers: ClinVar variation 267649 (VCV000267649.21), dbSNP rs397507762, ClinGen allele CA10602521.

ClinVar aggregate classification (germline): Pathogenic/Likely pathogenic. Review status: criteria provided, multiple submitters, no conflicts (2 of 4 stars). 9 submissions from 9 submitters: Pathogenic (6); Likely pathogenic (1). 2 of the submissions do not count toward it. Last evaluated 2025-02-27.

Conditions:
Breast-ovarian cancer, familial, susceptibility to, 2 (BROVCA2). Also called: BRCA2 Hereditary Breast and Ovarian Cancer. Identifiers: Orphanet 145, MedGen C2675520, MONDO:0012933, OMIM 612555. Disease mechanism: loss of function.
Hereditary breast ovarian cancer syndrome. Also called: BRCA1- and BRCA2-Associated Hereditary Breast and Ovarian Cancer; Hereditary breast and ovarian cancer; Breast and ovarian cancer; Hereditary breast and/or ovarian cancer syndrome; Hereditary breast and ovarian cancer syndrome; Hereditary breast and ovarian cancer syndrome (HBOC). Identifiers: Orphanet 145, MedGen C0677776, MeSH D061325, MONDO:0003582. Disease mechanism: loss of function.
Hereditary cancer-predisposing syndrome. Also called: Hereditary neoplastic syndrome; Neoplastic Syndromes, Hereditary; Tumor predisposition; Hereditary Cancer Syndrome. Identifiers: Orphanet 140162, MedGen C0027672, MeSH D009386, MONDO:0015356.

Allele frequency attached by ClinVar (database versions not stated): gnomAD exomes below 0.00001.
gnomAD v4.1: 2 of 1,612,042 alleles (0.00012%); highest among the groups gnomAD compares: Non-Finnish European, 0.00017%; no homozygotes.

Submissions (9):

Myriad Genetics, Inc.
Classification: Pathogenic for Breast-ovarian cancer, familial, susceptibility to, 2. Last evaluated: 2025-02-27. Review status: criteria provided, single submitter. Criteria: Myriad Autosomal Dominant, Autosomal Recessive and X-Linked Classification Criteria (2023). Collection method: clinical testing. Allele origin: unknown.
Comment: This variant is considered pathogenic. This variant occurs within a consensus splice junction and is predicted to result in abnormal mRNA splicing of either an out-of-frame exon or an in-frame exon necessary for protein stability and/or normal function. Functional studies indicate this variant impacts protein function [PMID: 32398771]. mRNA analysis has demonstrated abnormal mRNA splicing occurs [PMID: 31343793, 12759930, 21394826, 32398771].

Ambry Genetics
Classification: Likely pathogenic for Hereditary cancer-predisposing syndrome. Last evaluated: 2024-05-21. Review status: criteria provided, single submitter. Criteria: Ambry Variant Classification Scheme 2023. Collection method: clinical testing. Allele origin: germline.
Comment: The c.516+1G>T intronic variant results from a G to T substitution one nucleotide after coding exon 5 of the BRCA2 gene. Alterations that disrupt the canonical splice site are expected to cause aberrant splicing, resulting in an abnormal protein or a transcript that is subject to nonsense-mediated mRNA decay. This alteration was identified in a large, worldwide study of BRCA1/2 mutation positive families (Rebbeck TR et al. Hum Mutat, 2018 05;39:593-620). This nucleotide position is highly conserved in available vertebrate species. In silico splice site analysis predicts that this alteration will weaken the native splice donor site. RNA studies have demonstrated that this alteration results in abnormal splicing (Ambry internal data; Fraile-Bethencourt E et al. J Pathol, 2019 08;248:409-420; Mesman RLS et al. Genet Med, 2020 08;22:1355-1365). In addition, this alteration was unable to complement cell growth in a BRCA2-null mouse embryonic stem cell assay (Mesman RLS et al. Genet Med, 2020 08;22:1355-1365). This variant is considered to be rare based on population cohorts in the Genome Aggregation Database (gnomAD). Based on the majority of available evidence to date, this variant is likely to be pathogenic.

Labcorp Genetics (formerly Invitae), Labcorp
Classification: Pathogenic for Hereditary breast ovarian cancer syndrome. Last evaluated: 2023-04-06. Review status: criteria provided, single submitter. Criteria: Invitae Variant Classification Sherloc (09022015). Collection method: clinical testing. Allele origin: germline.
Comment: For these reasons, this variant has been classified as Pathogenic. Studies have shown that disruption of this splice site alters mRNA splicing and is expected to lead to the loss of protein expression (PMID: 30883759). Based on a multifactorial likelihood algorithm using genetic, in silico, and/or statistical data, this variant has been determined to have a high probability of being pathogenic (PMID: 21990134). ClinVar contains an entry for this variant (Variation ID: 267649). Disruption of this splice site has been observed in individual(s) with breast and/or ovarian cancer (PMID: 27767231, 29446198). This variant is not present in population databases (gnomAD no frequency). This sequence change affects a donor splice site in intron 6 of the BRCA2 gene. RNA analysis indicates that disruption of this splice site induces altered splicing and may result in an absent or disrupted protein product.

Laboratory for Molecular Medicine, Mass General Brigham Personalized Medicine
Classification: Pathogenic for Hereditary breast ovarian cancer syndrome. Last evaluated: 2019-10-14. Review status: criteria provided, single submitter. Criteria: ACMG Guidelines, 2015. Collection method: clinical testing. Allele origin: germline.
Comment: The c.516+1G>T variant in BRCA2 has been reported in the literature in at least 1 individual with ovarian cancer (Weren 2017), and has also been reported in individuals with hereditary breast and ovarian cancer (HBOC) in ClinVar (Variation ID: 267649). It was absent from large population studies. This variant occurs within the canonical splice site (+/- 1,2) and is predicted to cause altered splicing leading to an abnormal or absent protein. Furthermore, in vitro functional studies support that this variant leads to abnormal splicing (Whiley 2011). In summary, this variant meets criteria to be classified as pathogenic for autosomal dominant HBOC. ACMG/AMP Criteria applied: PVS1, PM2, PS3_Supporting.

Genome Diagnostics Laboratory, University Medical Center Utrecht
Classification: Pathogenic for Breast-ovarian cancer, familial, susceptibility to, 2. Last evaluated: 2017-07-28. Review status: criteria provided, single submitter. Criteria: ACGS Guidelines, 2013. Collection method: clinical testing. Allele origin: germline. Affected: yes. Study: VKGL Data-share Consensus.

Consortium of Investigators of Modifiers of BRCA1/2 (CIMBA), c/o University of Cambridge
Classification: Pathogenic for Breast-ovarian cancer, familial, susceptibility to, 2. Last evaluated: 2015-10-02. Review status: criteria provided, single submitter. Criteria: CIMBA Mutation Classification guidelines May 2016. Collection method: clinical testing. Allele origin: germline.

Clinical Genetics DNA and cytogenetics Diagnostics Lab, Erasmus MC, Erasmus Medical Center
Classification: Pathogenic for Breast-ovarian cancer, familial, susceptibility to, 2. Last evaluated: 2015-09-21. Review status: criteria provided, single submitter. Criteria: ACGS Guidelines, 2013. Collection method: clinical testing. Allele origin: germline. Affected: yes. Study: VKGL Data-share Consensus.

Diagnostic Laboratory, Department of Genetics, University Medical Center Groningen
Classification: Pathogenic for Breast-ovarian cancer, familial, susceptibility to, 2. Review status: no assertion criteria provided. Collection method: clinical testing. Allele origin: germline. Affected: yes. Study: VKGL Data-share Consensus. Not counted in ClinVar's aggregate classification.

Joint Genome Diagnostic Labs from Nijmegen and Maastricht, Radboudumc and MUMC+
Classification: Pathogenic. Review status: no assertion criteria provided. Collection method: clinical testing. Allele origin: germline. Affected: yes. Study: VKGL Data-share Consensus. Not counted in ClinVar's aggregate classification.

Literature cited by the submitters: PubMed 31343793 (cited by Myriad Genetics, Inc.); PubMed 12759930 (cited by Myriad Genetics, Inc.); PubMed 21394826 (cited by Myriad Genetics, Inc. and Laboratory for Molecular Medicine, Mass General Brigham Personalized Medicine); PubMed 32398771 (cited by Myriad Genetics, Inc. and Ambry Genetics); PubMed 29446198 (cited by Ambry Genetics and Labcorp Genetics (formerly Invitae), Labcorp); PubMed 30883759 (cited by Ambry Genetics and Labcorp Genetics (formerly Invitae), Labcorp); PubMed 21990134 (cited by Labcorp Genetics (formerly Invitae), Labcorp); PubMed 27767231 (cited by Labcorp Genetics (formerly Invitae), Labcorp and Laboratory for Molecular Medicine, Mass General Brigham Personalized Medicine).